The following is an entry in ClinVar:

ClinVar aggregate classification (germline): Likely benign. Review status: criteria provided, multiple submitters, no conflicts (2 of 4 stars). 4 submissions from 4 submitters: Likely benign (3). 1 of the submissions does not count toward it. Last evaluated 2025-05-01.

Conditions:
NIPBL-related disorder. Also called: NIPBL-related condition.
Cornelia de Lange syndrome 1 (CDLS1). Also called: Brachmann de Lange syndrome; NIPBL-Related Cornelia de Lange Syndrome; TYPUS DEGENERATIVUS AMSTELODAMENSIS. Identifiers: Orphanet 199, MedGen C4551851, MONDO:0007387, OMIM 122470.

Allele frequency attached by ClinVar (database versions not stated): TOPMed 0.00001; gnomAD 0.00005; ExAC 0.00023; 1000 Genomes Project 0.00060; 1000 Genomes Project 30x 0.00078.
gnomAD v4.1: 126 of 1,613,530 alleles (0.0078%); highest among the groups gnomAD compares: South Asian, 0.12%; 1 homozygote.

Submissions (4):

Labcorp Genetics (formerly Invitae), Labcorp
Classification: Likely benign for Cornelia de Lange syndrome 1. Last evaluated: 2025-05-01. Review status: criteria provided, single submitter. Criteria: Invitae Variant Classification Sherloc (09022015). Collection method: clinical testing. Allele origin: germline.

Blueprint Genetics
Classification: Likely benign. Last evaluated: 2023-09-21. Review status: criteria provided, single submitter. Criteria: ACMG Guidelines, 2015. Collection method: clinical testing. Allele origin: germline.

CeGaT Center for Human Genetics Tuebingen
Classification: Likely benign. Last evaluated: 2022-11-01. Review status: criteria provided, single submitter. Criteria: CeGaT Center For Human Genetics Tuebingen Variant Classification Criteria Version 2. Collection method: clinical testing. Allele origin: germline. Affected: yes. Observed: 1 variant allele.
Comment: NIPBL: BS1

PreventionGenetics, part of Exact Sciences
Classification: Likely benign for NIPBL-related condition. Last evaluated: 2022-02-23. Review status: no assertion criteria provided. Collection method: clinical testing. Allele origin: germline. Not counted in ClinVar's aggregate classification.
Comment: This variant is classified as likely benign based on ACMG/AMP sequence variant interpretation guidelines (Richards et al. 2015 PMID: 25741868, with internal and published modifications).

NM_133433.4(NIPBL):c.677C>T (p.Pro226Leu)

Gene: NIPBL (NIPBL cohesin loading factor; plus strand). Cytogenetic location: 5p13.2.
Variant type: single nucleotide variant.
Coding change: c.677C>T on transcript NM_133433.4 (MANE Select); coding-DNA position 677, C replaced by T.
Protein change: p.Pro226Leu; replaces proline 226 with leucine.
Molecular consequence: missense variant.
Genome position (GRCh38, 1-based): chr5:36,970,942, C>T. VCF-style: chr5-36970942-C-T. GRCh37 (hg19) VCF-style: chr5-36971044-C-T.
Other names: c.677C>T, p.Pro226Leu (NM_015384.5); c.677C>T (NM_133433.3); short protein forms P226L.
Identifiers: ClinVar variation 2058423 (VCV002058423.30), dbSNP rs562557528, ClinGen allele CA3235899.